The following is an entry in ClinVar:

ClinVar aggregate classification (germline): Uncertain significance (1 of 4 stars; one submission).

Conditions:
Cardiomyopathy (CMYO). Also called: Cardiomyopathies. Identifiers: Orphanet 167848, MedGen C0878544, MONDO:0004994, HP:0001638. Inheritance: Various modes of inheritance.

Submission:

Clinical Genetics Laboratory, Skane University Hospital Lund
Classification: Uncertain significance for Cardiomyopathy. Last evaluated: 2026-04-09. Review status: criteria provided, single submitter. Criteria: ACMG Guidelines, 2015. Collection method: clinical testing. Allele origin: germline. Affected: yes.
Comment: From ClinGen: "The mechanism of disease has not been established, though LoF is debated given the lack of experimental evidence and the presence of homozygous LoF variants in the general population. Gene-based burden testing found that rare missense variants in TNNI3K were significantly associated with DCM whereas LoF variants were not (PMID: 37199186)". Applied ACMG criteria: PM2.

NM_015978.3(TNNI3K):c.1840C>T (p.Gln614Ter)

Genes: FPGT-TNNI3K (FPGT-TNNI3K readthrough; plus strand), TNNI3K (TNNI3 interacting kinase; plus strand). Cytogenetic location: 1p31.1.
Variant type: single nucleotide variant.
Coding change: c.1840C>T on transcript NM_015978.3 (MANE Select); coding-DNA position 1840, C replaced by T.
Protein change: p.Gln614Ter; replaces glutamine 614 with a stop codon.
Molecular consequence: nonsense.
Genome position (GRCh38, 1-based): chr1:74,436,488, C>T. VCF-style: chr1-74436488-C-T. GRCh37 (hg19) VCF-style: chr1-74902172-C-T.
Other names: c.2143C>T, p.Gln715Ter (NM_001112808.3, NM_001199327.2); short protein forms Q614*, Q715*.
Identifiers: ClinVar variation 4819600 (VCV004819600.1).